The following is an entry in ClinVar:

NM_002617.4(PEX10):c.601-3C>G

Gene: PEX10 (peroxisomal biogenesis factor 10; minus strand). Cytogenetic location: 1p36.32.
Variant type: single nucleotide variant.
Coding change: c.601-3C>G on transcript NM_002617.4 (MANE Select); 3 bases into the intron before coding-DNA position 601, C replaced by G.
Molecular consequence: intron variant. On other transcripts: missense variant (3).
Genome position (GRCh38, 1-based): chr1:2,406,898, G>C on the plus strand (C>G on the coding strand, the complement: PEX10 is on the minus strand). VCF-style: chr1-2406898-G-C. GRCh37 (hg19) VCF-style: chr1-2338337-G-C.
Other names: c.655C>G, p.Gln219Glu (NM_001374425.1); c.223C>G, p.Gln75Glu (NM_001374426.1); c.658C>G, p.Gln220Glu (NM_153818.2); c.169-3C>G (NM_001374427.1); short protein forms Q219E, Q220E, Q75E.
Identifiers: ClinVar variation 991789 (VCV000991789.6), dbSNP rs369643163, ClinGen allele CA538095.
Genomic context (GRCh38, chr1:2,406,898, plus strand): 5'-GCAGCCTGTAGCTAACACGGGCCCTCAGGTCCTCTCCGGGCAGGCTGCGGACACGGAGCT[G>C]TAAGGCAGATGGCGCCACACTCATCAGGACCCTGAGGGGATCTGGCCTCAGCGCCTGCTG-3'

ClinVar aggregate classification (germline): Uncertain significance. Review status: criteria provided, single submitter (1 of 4 stars). 2 submissions from 2 submitters: Uncertain significance (1). 1 of the submissions does not count toward it. Last evaluated 2024-10-15.

Conditions:
Zellweger spectrum disorders (ZS). Also called: Zellweger Spectrum Disorder; Zellweger Spectrum; Zellweger Spectrum Disorder (ZSD); Zellweger syndrome. Identifiers: Orphanet 912, MedGen C0043459, MONDO:0019609.
Peroxisome biogenesis disorder, complementation group 7 (CG7). Also called: Peroxisome biogenesis disorder, complementation group B. Identifiers: MedGen C1864399.

Allele frequency attached by ClinVar (database versions not stated): gnomAD exomes below 0.00001; ExAC 0.00001; gnomAD 0.00001; TOPMed 0.00002; ESP Exome Variant Server 0.00008.

Submissions (2):

Labcorp Genetics (formerly Invitae), Labcorp
Classification: Uncertain significance for Peroxisome biogenesis disorder, complementation group 7. Last evaluated: 2024-10-15. Review status: criteria provided, single submitter. Criteria: Invitae Variant Classification Sherloc (09022015). Collection method: clinical testing. Allele origin: germline.
Comment: This sequence change replaces glutamine, which is neutral and polar, with glutamic acid, which is acidic and polar, at codon 220 of the PEX10 protein (p.Gln220Glu). The frequency data for this variant in the population databases is considered unreliable, as metrics indicate poor data quality at this position in the gnomAD database. This variant has not been reported in the literature in individuals affected with PEX10-related conditions. ClinVar contains an entry for this variant (Variation ID: 991789). An algorithm developed to predict the effect of missense changes on protein structure and function (PolyPhen-2) suggests that this variant is likely to be tolerated. Algorithms developed to predict the effect of sequence changes on RNA splicing suggest that this variant may create or strengthen a splice site. In summary, the available evidence is currently insufficient to determine the role of this variant in disease. Therefore, it has been classified as a Variant of Uncertain Significance.

Natera, Inc.
Classification: Uncertain significance for Zellweger syndrome. Last evaluated: 2020-08-13. Review status: no assertion criteria provided. Collection method: clinical testing. Allele origin: germline. Not counted in ClinVar's aggregate classification.